The following is an entry in ClinVar:

NM_001458.5(FLNC):c.1196A>T (p.Asp399Val)

Gene: FLNC (filamin C; plus strand). Cytogenetic location: 7q32.1.
Variant type: single nucleotide variant.
Coding change: c.1196A>T on transcript NM_001458.5 (MANE Select); coding-DNA position 1196, A replaced by T.
Protein change: p.Asp399Val; replaces aspartic acid 399 with valine.
Molecular consequence: missense variant.
Genome position (GRCh38, 1-based): chr7:128,838,415, A>T. VCF-style: chr7-128838415-A-T. GRCh37 (hg19) VCF-style: chr7-128478469-A-T.
Other names: c.1196A>T, p.Asp399Val (NM_001127487.2); short protein forms D399V.
Identifiers: ClinVar variation 4812680 (VCV004812680.1).

ClinVar aggregate classification (germline): Uncertain significance (1 of 4 stars; one submission).

Conditions:
Hypertrophic cardiomyopathy 26. Also called: Cardiomyopathy, familial hypertrophic, 26. Identifiers: Orphanet 75249, MedGen C4310749, MONDO:0014883, OMIM 617047.
Myofibrillar myopathy 5. Also called: Filaminopathy (type); FILAMINOPATHY, AUTOSOMAL DOMINANT. Identifiers: Orphanet 171445, MedGen C1836050, MONDO:0012289, OMIM 609524.
Distal myopathy with posterior leg and anterior hand involvement. Also called: WILLIAMS DISTAL MYOPATHY. Identifiers: Orphanet 63273, MedGen C3279722, MONDO:0013550, OMIM 614065.

gnomAD v4.1: 2 of 1,613,680 alleles (0.00012%); highest among the groups gnomAD compares: Non-Finnish European, 0.00017%; no homozygotes.

Submission:

Labcorp Genetics (formerly Invitae), Labcorp
Classification: Uncertain significance for Distal myopathy with posterior leg and anterior hand involvement; Myofibrillar myopathy 5; Hypertrophic cardiomyopathy 26. Last evaluated: 2025-02-01. Review status: criteria provided, single submitter. Criteria: Invitae Variant Classification Sherloc (09022015). Collection method: clinical testing. Allele origin: germline.
Comment: This sequence change replaces aspartic acid, which is acidic and polar, with valine, which is neutral and non-polar, at codon 399 of the FLNC protein (p.Asp399Val). This variant is not present in population databases (gnomAD no frequency). This variant has not been reported in the literature in individuals affected with FLNC-related conditions. Invitae Evidence Modeling of protein sequence and biophysical properties (such as structural, functional, and spatial information, amino acid conservation, physicochemical variation, residue mobility, and thermodynamic stability) has been performed for this missense variant. However, the output from this modeling did not meet the statistical confidence thresholds required to predict the impact of this variant on FLNC protein function. In summary, the available evidence is currently insufficient to determine the role of this variant in disease. Therefore, it has been classified as a Variant of Uncertain Significance.